The following is an entry in ClinVar:

NM_002473.6(MYH9):c.3555C>T (p.Ala1185=)

Gene: MYH9 (myosin heavy chain 9; minus strand). Cytogenetic location: 22q12.3.
Variant type: single nucleotide variant.
Coding change: c.3555C>T on transcript NM_002473.6 (MANE Select); coding-DNA position 3555, C replaced by T.
Protein change: p.Ala1185=; no amino-acid change (alanine 1185 retained).
Molecular consequence: synonymous variant.
Genome position (GRCh38, 1-based): chr22:36,295,007, G>A on the plus strand (C>T on the coding strand, the complement: MYH9 is on the minus strand). VCF-style: chr22-36295007-G-A. GRCh37 (hg19) VCF-style: chr22-36691053-G-A.
Identifiers: ClinVar variation 4986159 (VCV004986159.1).

ClinVar aggregate classification (germline): Likely benign (1 of 4 stars; one submission).

Conditions:
MYH9-related disorder. Identifiers: MedGen C1854520.

Submission:

PreventionGenetics, part of Exact Sciences
Classification: Likely benign for MYH9-related condition. Last evaluated: 2026-09-11. Review status: criteria provided, single submitter. Criteria: ACMG Guidelines, 2015. Collection method: clinical testing. Allele origin: germline.
Comment: This variant is classified as likely benign based on ACMG/AMP sequence variant interpretation guidelines (Richards et al. 2015 PMID: 25741868, with internal and published modifications).